The following is an entry in ClinVar:

ClinVar aggregate classification (germline): Likely pathogenic. Review status: criteria provided, single submitter (1 of 4 stars). 2 submissions from 2 submitters: Likely pathogenic (1). 1 of the submissions does not count toward it. Last evaluated 2023-07-05.

Conditions:
ABCC6-related disorder. Also called: ABCC6-related condition.

Submissions (2):

Blueprint Genetics
Classification: Likely pathogenic for ABCC6-related disorders. Last evaluated: 2023-07-05. Review status: criteria provided, single submitter. Criteria: ACMG Guidelines, 2015. Collection method: clinical testing. Allele origin: germline. Affected: yes. Observed: 5 variant alleles.

PreventionGenetics, part of Exact Sciences
Classification: Uncertain significance for ABCC6-related condition. Last evaluated: 2024-09-27. Review status: no assertion criteria provided. Collection method: clinical testing. Allele origin: germline. Not counted in ClinVar's aggregate classification.
Comment: The ABCC6 c.428G>T variant is predicted to result in the amino acid substitution p.Cys143Phe. This variant has been reported in the compound heterozygous state in an individual with an ectopic mineralization disorder (Saeidian et al. 2022. PubMed ID: 34906475). This variant is reported in 0.0026% of alleles in individuals of European (Non-Finnish) descent in gnomAD. Although we suspect that this variant may be pathogenic, at this time, the clinical significance of this variant is uncertain due to the absence of conclusive functional and genetic evidence.

NM_001171.6(ABCC6):c.428G>T (p.Cys143Phe)

Gene: ABCC6 (ATP binding cassette subfamily C member 6; minus strand). Cytogenetic location: 16p13.11.
Variant type: single nucleotide variant.
Coding change: c.428G>T on transcript NM_001171.6 (MANE Select); coding-DNA position 428, G replaced by T.
Protein change: p.Cys143Phe; replaces cysteine 143 with phenylalanine.
Molecular consequence: missense variant. On other transcripts: non-coding transcript variant (1).
Genome position (GRCh38, 1-based): chr16:16,219,600, C>A on the plus strand (G>T on the coding strand, the complement: ABCC6 is on the minus strand). VCF-style: chr16-16219600-C-A. GRCh37 (hg19) VCF-style: chr16-16313457-C-A.
Other names: c.86G>T, p.Cys29Phe (NM_001351800.1); short protein forms C143F, C29F.
Identifiers: ClinVar variation 3357011 (VCV003357011.2).